The following is an entry in ClinVar:

NM_000275.3(OCA2):c.236CTT[1] (p.Ser80del)

Gene: OCA2 (OCA2 melanosomal transmembrane protein; minus strand). Cytogenetic location: 15q13.1.
Variant type: Microsatellite.
Coding change: c.236CTT[1] on transcript NM_000275.3 (MANE Select); one copy of the 3-base unit CTT starting at c.236; the reference has two copies in a row; one copy, 3 bases deleted.
Protein change: p.Ser80del; deletes serine 80.
Molecular consequence: inframe deletion.
Genome position (GRCh38, 1-based): chr15:28,032,150-28,032,152, AAG deleted on the plus strand (CTT on the coding strand, the reverse complement: OCA2 is on the minus strand); deleting any 3 consecutive bases within chr15:28,032,150-28,032,156 gives the same sequence; the position shown is the placement nearest the transcript's 3' end. VCF-style (leftmost placement, unchanged base first): chr15-28032149-AAAG-A. GRCh37 (hg19) VCF-style: chr15-28277295-AAAG-A.
Other names: c.236CTT[1], p.Ser80del (NM_001300984.2); short protein forms S80del.
Identifiers: ClinVar variation 5004505 (VCV005004505.1).

ClinVar aggregate classification (germline): Uncertain significance (1 of 4 stars; one submission).

Conditions:
Tyrosinase-positive oculocutaneous albinism (OCA2). Also called: ALBINISM II; Albinism, oculocutaneous, type II; Oculocutaneous albinism type 2. Identifiers: Orphanet 79432, MedGen C0268495, MONDO:0008746, OMIM 203200.

Submission:

Myriad Genetics, Inc.
Classification: Uncertain significance for Tyrosinase-positive oculocutaneous albinism. Last evaluated: 2026-03-03. Review status: criteria provided, single submitter. Criteria: Myriad Autosomal Dominant, Autosomal Recessive and X-Linked Classification Criteria (2023). Collection method: clinical testing. Allele origin: unknown.
Comment: NM_000275.2(OCA2):c.239_241delCTT(S80del) is an in-frame deletion classified as a variant of uncertain significance in the context of oculocutaneous albinism, OCA2-related. S80del has not been observed in cases with relevant disease. Relevant functional assessments of this variant are not available in the literature. S80del has not been observed in referenced population frequency databases. In summary, there is insufficient evidence to classify NM_000275.2(OCA2):c.239_241delCTT(S80del) as pathogenic or benign. Please note: this variant was assessed in the context of healthy population screening.